The following is an entry in ClinVar:

ClinVar aggregate classification (germline): Uncertain significance (1 of 4 stars; one submission).

Conditions:
Joubert syndrome. Also called: JOUBERT-BOLTSHAUSER SYNDROME; Familial aplasia of the vermis. Identifiers: Orphanet 475, MedGen C5979921, MONDO:0018772.
Meckel-Gruber syndrome. Also called: DYSENCEPHALIA SPLANCHNOCYSTICA; GRUBER SYNDROME; Dysencephalia splachnocystica. Identifiers: Orphanet 564, MedGen C0265215, MONDO:0018921.

Submission:

Labcorp Genetics (formerly Invitae), Labcorp
Classification: Uncertain significance for Joubert syndrome; Meckel-Gruber syndrome. Last evaluated: 2022-03-02. Review status: criteria provided, single submitter. Criteria: Invitae Variant Classification Sherloc (09022015). Collection method: clinical testing. Allele origin: germline.
Comment: This sequence change replaces aspartic acid, which is acidic and polar, with histidine, which is basic and polar, at codon 1498 of the CC2D2A protein (p.Asp1498His). This variant is not present in population databases (gnomAD no frequency). This variant has not been reported in the literature in individuals affected with CC2D2A-related conditions. Advanced modeling of protein sequence and biophysical properties (such as structural, functional, and spatial information, amino acid conservation, physicochemical variation, residue mobility, and thermodynamic stability) performed at Invitae indicates that this missense variant is expected to disrupt CC2D2A protein function. In summary, the available evidence is currently insufficient to determine the role of this variant in disease. Therefore, it has been classified as a Variant of Uncertain Significance.

NM_001378615.1(CC2D2A):c.4492G>C (p.Asp1498His)

Genes: CC2D2A (coiled-coil and C2 domain containing 2A; plus strand), FBXL5 (F-box and leucine rich repeat protein 5; minus strand). Cytogenetic location: 4p15.32.
Variant type: single nucleotide variant.
Coding change: c.4492G>C on transcript NM_001378615.1 (MANE Select); coding-DNA position 4492, G replaced by C.
Protein change: p.Asp1498His; replaces aspartic acid 1498 with histidine.
Molecular consequence: missense variant.
Genome position (GRCh38, 1-based): chr4:15,597,461, G>C. VCF-style: chr4-15597461-G-C. GRCh37 (hg19) VCF-style: chr4-15599084-G-C.
Other names: c.4492G>C, p.Asp1498His (NM_001080522.2); c.4345G>C, p.Asp1449His (NM_001378617.1); short protein forms D1449H, D1498H.
Identifiers: ClinVar variation 2105595 (VCV002105595.1), dbSNP rs2475148202, ClinGen allele CA356432339.